The following is an entry in ClinVar:

ClinVar aggregate classification (germline): Uncertain significance. Review status: criteria provided, multiple submitters, no conflicts (2 of 4 stars). 2 submissions from 2 submitters: Uncertain significance (2). Last evaluated 2025-11-03.

Allele frequency attached by ClinVar (database versions not stated): TOPMed 0.00001.

Submissions (2):

Labcorp Genetics (formerly Invitae), Labcorp
Classification: Uncertain significance. Last evaluated: 2025-11-03. Review status: criteria provided, single submitter. Criteria: Invitae Variant Classification Sherloc (09022015). Collection method: clinical testing. Allele origin: germline.
Comment: This sequence change replaces isoleucine, which is neutral and non-polar, with threonine, which is neutral and polar, at codon 605 of the NPAT protein (p.Ile605Thr). This variant is not present in population databases (gnomAD no frequency). This variant has not been reported in the literature in individuals affected with NPAT-related conditions. ClinVar contains an entry for this variant (Variation ID: 2561406). An algorithm developed to predict the effect of missense changes on protein structure and function outputs the following: PolyPhen-2: "Benign". The threonine amino acid residue is found in multiple mammalian species, which suggests that this missense change does not adversely affect protein function. In summary, the available evidence is currently insufficient to determine the role of this variant in disease. Therefore, it has been classified as a Variant of Uncertain Significance.

Ambry Genetics
Classification: Uncertain significance. Last evaluated: 2023-05-29. Review status: criteria provided, single submitter. Criteria: Ambry Variant Classification Scheme 2023. Collection method: clinical testing. Allele origin: germline.
Comment: The p.I605T variant (also known as c.1814T>C), located in coding exon 13 of the NPAT gene, results from a T to C substitution at nucleotide position 1814. The isoleucine at codon 605 is replaced by threonine, an amino acid with similar properties. This amino acid position is conserved. In addition, this alteration is predicted to be tolerated by in silico analysis. Since supporting evidence is limited at this time, the clinical significance of this alteration remains unclear.

NM_002519.3(NPAT):c.1814T>C (p.Ile605Thr)

Gene: NPAT (nuclear protein, coactivator of histone transcription; minus strand). Cytogenetic location: 11q22.3.
Variant type: single nucleotide variant.
Coding change: c.1814T>C on transcript NM_002519.3 (MANE Select); coding-DNA position 1814, T replaced by C.
Protein change: p.Ile605Thr; replaces isoleucine 605 with threonine.
Molecular consequence: missense variant.
Genome position (GRCh38, 1-based): chr11:108,173,170, A>G on the plus strand (T>C on the coding strand, the complement: NPAT is on the minus strand). VCF-style: chr11-108173170-A-G. GRCh37 (hg19) VCF-style: chr11-108043897-A-G.
Other names: c.1814T>C, p.Ile605Thr (NM_001321307.1); short protein forms I605T.
Identifiers: ClinVar variation 2561406 (VCV002561406.4), dbSNP rs2077971158, ClinGen allele CA382514291.